The following is an entry in ClinVar:

ClinVar aggregate classification (germline): Uncertain significance (1 of 4 stars; one submission).

Conditions:
Hypertrophic cardiomyopathy. Also called: HYPERTROPHIC MYOCARDIOPATHY. Identifiers: Orphanet 217569, MedGen C0007194, MeSH D002312, MONDO:0005045, HP:0001639.

Submission:

Labcorp Genetics (formerly Invitae), Labcorp
Classification: Uncertain significance for Hypertrophic cardiomyopathy. Last evaluated: 2024-06-03. Review status: criteria provided, single submitter. Criteria: Invitae Variant Classification Sherloc (09022015). Collection method: clinical testing. Allele origin: germline.
Comment: This sequence change replaces asparagine, which is neutral and polar, with isoleucine, which is neutral and non-polar, at codon 171 of the MYH7 protein (p.Asn171Ile). This variant is not present in population databases (gnomAD no frequency). This variant has not been reported in the literature in individuals affected with MYH7-related conditions. Advanced modeling of protein sequence and biophysical properties (such as structural, functional, and spatial information, amino acid conservation, physicochemical variation, residue mobility, and thermodynamic stability) performed at Invitae indicates that this missense variant is expected to disrupt MYH7 protein function with a positive predictive value of 95%. In summary, the available evidence is currently insufficient to determine the role of this variant in disease. Therefore, it has been classified as a Variant of Uncertain Significance.

NM_000257.4(MYH7):c.512A>T (p.Asn171Ile)

Gene: MYH7 (myosin heavy chain 7; minus strand). Cytogenetic location: 14q11.2.
Variant type: single nucleotide variant.
Coding change: c.512A>T on transcript NM_000257.4 (MANE Select); coding-DNA position 512, A replaced by T.
Protein change: p.Asn171Ile; replaces asparagine 171 with isoleucine.
Molecular consequence: missense variant.
Genome position (GRCh38, 1-based): chr14:23,432,497, T>A on the plus strand (A>T on the coding strand, the complement: MYH7 is on the minus strand). VCF-style: chr14-23432497-T-A. GRCh37 (hg19) VCF-style: chr14-23901706-T-A.
Other names: c.512A>T, p.Asn171Ile (NM_001407004.1); short protein forms N171I.
Identifiers: ClinVar variation 3613892 (VCV003613892.2).
Genomic context (GRCh38, chr14:23,432,497, plus strand): 5'-CAGGGAGATTCTGAAAGGGAATACAGTAGCAGCTACACTCACGTGATCAGGATGGACTGG[T>A]TTTCTCTGTCTGTGGGGAGAGGGTGGGGAGGAAAGGTCAGGAGCTGCACAGGATGCTCTC-3'
Protein context (NP_000248.2, residues 161-181): AYQYMLTDRE[Asn171Ile]QSILITGESG